The following is an entry in ClinVar:

ClinVar aggregate classification (germline): Uncertain significance (1 of 4 stars; one submission).

Submission:

Labcorp Genetics (formerly Invitae), Labcorp
Classification: Uncertain significance. Last evaluated: 2026-01-04. Review status: criteria provided, single submitter. Criteria: Invitae Variant Classification Sherloc (09022015). Collection method: clinical testing. Allele origin: germline.
Comment: This sequence change replaces tyrosine, which is neutral and polar, with cysteine, which is neutral and slightly polar, at codon 718 of the ARHGEF10 protein (p.Tyr718Cys). This variant is not present in population databases (gnomAD no frequency). This variant has not been reported in the literature in individuals affected with ARHGEF10-related conditions. Invitae Evidence Modeling of protein sequence and biophysical properties (such as structural, functional, and spatial information, amino acid conservation, physicochemical variation, residue mobility, and thermodynamic stability) indicates that this missense variant is not expected to disrupt ARHGEF10 protein function with a negative predictive value of 80%. In summary, the available evidence is currently insufficient to determine the role of this variant in disease. Therefore, it has been classified as a Variant of Uncertain Significance.

NM_014629.4(ARHGEF10):c.2153A>G (p.Tyr718Cys)

Genes: ARHGEF10 (Rho guanine nucleotide exchange factor 10; plus strand), LOC126860281 (CDK7 strongly-dependent group 2 enhancer GRCh37_chr8:1870370-1871569; plus strand). Cytogenetic location: 8p23.3.
Variant type: single nucleotide variant.
Coding change: c.2153A>G on transcript NM_014629.4 (MANE Select); coding-DNA position 2153, A replaced by G.
Protein change: p.Tyr718Cys; replaces tyrosine 718 with cysteine.
Molecular consequence: missense variant.
Genome position (GRCh38, 1-based): chr8:1,922,973, A>G. VCF-style: chr8-1922973-A-G. GRCh37 (hg19) VCF-style: chr8-1871139-A-G.
Other names: c.2039A>G, p.Tyr680Cys (NM_001308152.2, NM_001438094.1); c.2153A>G, p.Tyr718Cys (NM_001308153.3); c.2156A>G, p.Tyr719Cys (NM_001438091.1); c.2036A>G, p.Tyr679Cys (NM_001438092.1, NM_001438093.1); short protein forms Y679C, Y680C, Y718C, Y719C, Y742C.
Identifiers: ClinVar variation 4808182 (VCV004808182.1).